The following is an entry in ClinVar:

NM_000441.2(SLC26A4):c.145_146dup (p.Ser49fs)

Genes: SLC26A4 (solute carrier family 26 member 4; plus strand), SLC26A4-AS1 (SLC26A4 antisense RNA 1; minus strand). Cytogenetic location: 7q22.3.
Variant type: Microsatellite.
Coding change: c.145_146dup on transcript NM_000441.2 (MANE Select); coding-DNA positions 145 to 146, 2 bases duplicated (AG; older notation c.145_146dupAG).
Protein change: p.Ser49fs; shifts the reading frame from serine 49.
Molecular consequence: frameshift variant. On other transcripts: non-coding transcript variant (1).
Genome position (GRCh38, 1-based): chr7:107,661,786-107,661,787, AG duplicated; duplicating any 2 consecutive bases within chr7:107,661,783-107,661,787 gives the same sequence; the c. name uses the placement nearest the transcript's 3' end. VCF-style (leftmost placement, unchanged base first): chr7-107661782-G-GGA. GRCh37 (hg19) VCF-style: chr7-107302227-G-GGA.
Other names: short protein forms S49fs.
Identifiers: ClinVar variation 2696211 (VCV002696211.3), dbSNP rs1790562755, ClinGen allele CA1732727366.

ClinVar aggregate classification (germline): Pathogenic (1 of 4 stars; one submission).

Submission:

Labcorp Genetics (formerly Invitae), Labcorp
Classification: Pathogenic. Last evaluated: 2023-11-15. Review status: criteria provided, single submitter. Criteria: Invitae Variant Classification Sherloc (09022015). Collection method: clinical testing. Allele origin: germline.
Comment: This sequence change creates a premature translational stop signal (p.Ser49Argfs*18) in the SLC26A4 gene. It is expected to result in an absent or disrupted protein product. Loss-of-function variants in SLC26A4 are known to be pathogenic (PMID: 16283880, 25394566, 26252218, 26445815). This variant is not present in population databases (gnomAD no frequency). This variant has not been reported in the literature in individuals affected with SLC26A4-related conditions. For these reasons, this variant has been classified as Pathogenic.

Literature cited by the submitters: PubMed 16283880; PubMed 25394566; PubMed 26252218; PubMed 26445815.